The following is an entry in ClinVar:

NM_000535.7(PMS2):c.949C>G (p.Gln317Glu)

Gene: PMS2 (PMS1 homolog 2, mismatch repair system component; minus strand). Cytogenetic location: 7p22.1.
Variant type: single nucleotide variant.
Coding change: c.949C>G on transcript NM_000535.7 (MANE Select); coding-DNA position 949, C replaced by G.
Protein change: p.Gln317Glu; replaces glutamine 317 with glutamic acid.
Molecular consequence: missense variant. On other transcripts: non-coding transcript variant (1), intron variant (1).
Genome position (GRCh38, 1-based): chr7:5,992,012, G>C on the plus strand (C>G on the coding strand, the complement: PMS2 is on the minus strand). VCF-style: chr7-5992012-G-C. GRCh37 (hg19) VCF-style: chr7-6031643-G-C.
Other names: c.544C>G, p.Gln182Glu (NM_001322003.2, NM_001322004.2, NM_001322005.2 and 19 more transcripts); c.949C>G, p.Gln317Glu (NM_001322006.2, NM_001322014.2, NM_001406870.1 and 2 more transcripts); c.631C>G, p.Gln211Glu (NM_001322007.2, NM_001322008.2, NM_001406876.1 and 4 more transcripts); c.16C>G, p.Gln6Glu (NM_001322011.2, NM_001322012.2); c.376C>G, p.Gln126Glu (NM_001322013.2, NM_001406909.1); c.640C>G, p.Gln214Glu (NM_001322015.2, NM_001406875.1, NM_001406877.1 and 6 more transcripts); c.1135C>G, p.Gln379Glu (NM_001406866.1); c.973C>G, p.Gln325Glu (NM_001406868.1); and 8 more; short protein forms Q214E, Q317E, Q60E, Q182E, Q205E, Q126E, Q195E, Q211E.
Identifiers: ClinVar variation 4699385 (VCV004699385.1).

ClinVar aggregate classification (germline): Uncertain significance (1 of 4 stars; one submission).

Conditions:
Hereditary nonpolyposis colorectal neoplasms. Identifiers: MedGen C0009405, MeSH D003123.

Submission:

Labcorp Genetics (formerly Invitae), Labcorp
Classification: Uncertain significance for Hereditary nonpolyposis colorectal neoplasms. Last evaluated: 2025-11-15. Review status: criteria provided, single submitter. Criteria: Invitae Variant Classification Sherloc (09022015). Collection method: clinical testing. Allele origin: germline.
Comment: This sequence change replaces glutamine, which is neutral and polar, with glutamic acid, which is acidic and polar, at codon 317 of the PMS2 protein (p.Gln317Glu). This variant is not present in population databases (gnomAD no frequency). This variant has not been reported in the literature in individuals affected with PMS2-related conditions. Invitae Evidence Modeling incorporating data from in vitro experimental studies (internal data) indicates that this missense variant is not expected to disrupt PMS2 function with a negative predictive value of 95%. In summary, the available evidence is currently insufficient to determine the role of this variant in disease. Therefore, it has been classified as a Variant of Uncertain Significance.